The following is an entry in ClinVar:

ClinVar aggregate classification (germline): Uncertain significance. Review status: criteria provided, multiple submitters, no conflicts (2 of 4 stars). 2 submissions from 2 submitters: Uncertain significance (2). Last evaluated 2025-04-20.

Conditions:
Bethlem myopathy 1A. Also called: Bethlem myopathy 1; MYOPATHY, BENIGN CONGENITAL, WITH CONTRACTURES; Bethlem Muscular Dystrophy. Identifiers: Orphanet 610, MedGen CN029274, MONDO:0024530, OMIM 158810.

gnomAD v4.1: 1 of 1,614,068 alleles (0.000062%); highest among the groups gnomAD compares: Non-Finnish European, 0.000085%; no homozygotes.

Submissions (2):

Labcorp Genetics (formerly Invitae), Labcorp
Classification: Uncertain significance for Bethlem myopathy 1A. Last evaluated: 2025-04-20. Review status: criteria provided, single submitter. Criteria: Invitae Variant Classification Sherloc (09022015). Collection method: clinical testing. Allele origin: germline.
Comment: This sequence change replaces aspartic acid, which is acidic and polar, with tyrosine, which is neutral and polar, at codon 882 of the COL6A3 protein (p.Asp882Tyr). This variant is not present in population databases (gnomAD no frequency). This variant has not been reported in the literature in individuals affected with COL6A3-related conditions. ClinVar contains an entry for this variant (Variation ID: 2967989). Invitae Evidence Modeling of protein sequence and biophysical properties (such as structural, functional, and spatial information, amino acid conservation, physicochemical variation, residue mobility, and thermodynamic stability) has been performed for this missense variant. However, the output from this modeling did not meet the statistical confidence thresholds required to predict the impact of this variant on COL6A3 protein function. In summary, the available evidence is currently insufficient to determine the role of this variant in disease. Therefore, it has been classified as a Variant of Uncertain Significance.

Blueprint Genetics
Classification: Uncertain significance. Last evaluated: 2019-11-12. Review status: criteria provided, single submitter. Criteria: ACMG Guidelines, 2015. Collection method: clinical testing. Allele origin: germline.

NM_004369.4(COL6A3):c.2644G>T (p.Asp882Tyr)

Gene: COL6A3 (collagen type VI alpha 3 chain; minus strand). Cytogenetic location: 2q37.3.
Variant type: single nucleotide variant.
Coding change: c.2644G>T on transcript NM_004369.4 (MANE Select); coding-DNA position 2644, G replaced by T.
Protein change: p.Asp882Tyr; replaces aspartic acid 882 with tyrosine.
Molecular consequence: missense variant.
Genome position (GRCh38, 1-based): chr2:237,377,198, C>A on the plus strand (G>T on the coding strand, the complement: COL6A3 is on the minus strand). VCF-style: chr2-237377198-C-A. GRCh37 (hg19) VCF-style: chr2-238285841-C-A.
Other names: c.1423G>T, p.Asp475Tyr (NM_057164.5); c.2026G>T, p.Asp676Tyr (NM_057165.5, NM_057167.4); c.823G>T, p.Asp275Tyr (NM_057166.5); short protein forms D475Y, D676Y, D882Y, D275Y.
Identifiers: ClinVar variation 2967989 (VCV002967989.4), dbSNP rs1389629269, ClinGen allele CA351211069.